The following is an entry in ClinVar:

NM_017654.4(SAMD9):c.2692G>A (p.Glu898Lys)

Gene: SAMD9 (sterile alpha motif domain containing 9; minus strand). Cytogenetic location: 7q21.2.
Variant type: single nucleotide variant.
Coding change: c.2692G>A on transcript NM_017654.4 (MANE Select); coding-DNA position 2692, G replaced by A.
Protein change: p.Glu898Lys; replaces glutamic acid 898 with lysine.
Molecular consequence: missense variant.
Genome position (GRCh38, 1-based): chr7:93,103,406, C>T on the plus strand (G>A on the coding strand, the complement: SAMD9 is on the minus strand). VCF-style: chr7-93103406-C-T. GRCh37 (hg19) VCF-style: chr7-92732719-C-T.
Other names: c.2692G>A, p.Glu898Lys (NM_001193307.2); short protein forms E898K.
Identifiers: ClinVar variation 3949730 (VCV003949730.1).
Genomic context (GRCh38, chr7:93,103,406, plus strand): 5'-AGAGCTTTGCTTCCTTGGTGAAAATATTCTGCCCTTTCAGGATATTCCGGACCACATTTT[C>T]TATGTATTCTTTATTAAAATTGGTTTTCATGATCATAAAGGAATAAAAATCCTCAAAGTT-3'
Protein context (NP_060124.2, residues 888-908): MKTNFNKEYI[Glu898Lys]NVVRNILKGQ

ClinVar aggregate classification (germline): Uncertain significance (1 of 4 stars; one submission).

Conditions:
Inborn genetic diseases. Identifiers: MedGen C0950123, MeSH D030342.

Submission:

Ambry Genetics
Classification: Uncertain significance for Inborn genetic diseases. Last evaluated: 2025-06-12. Review status: criteria provided, single submitter. Criteria: Ambry Variant Classification Scheme 2023. Collection method: clinical testing. Allele origin: germline.
Comment: The p.E898K variant (also known as c.2692G>A), located in coding exon 1 of the SAMD9 gene, results from a G to A substitution at nucleotide position 2692. The glutamic acid at codon 898 is replaced by lysine, an amino acid with similar properties. This amino acid position is conserved. In addition, this alteration is predicted to be tolerated by in silico analysis. Based on the available evidence, the clinical significance of this variant remains unclear.